The following is an entry in ClinVar:

NM_000092.5(COL4A4):c.113G>A (p.Gly38Glu)

Gene: COL4A4 (collagen type IV alpha 4 chain; minus strand). Cytogenetic location: 2q36.3.
Variant type: single nucleotide variant.
Coding change: c.113G>A on transcript NM_000092.5 (MANE Select); coding-DNA position 113, G replaced by A.
Protein change: p.Gly38Glu; replaces glycine 38 with glutamic acid.
Molecular consequence: missense variant.
Genome position (GRCh38, 1-based): chr2:227,144,517, C>T on the plus strand (G>A on the coding strand, the complement: COL4A4 is on the minus strand). VCF-style: chr2-227144517-C-T. GRCh37 (hg19) VCF-style: chr2-228009233-C-T.
Other names: short protein forms G38E.
Identifiers: ClinVar variation 3655347 (VCV003655347.2).

ClinVar aggregate classification (germline): Uncertain significance (1 of 4 stars; one submission).

Submission:

Labcorp Genetics (formerly Invitae), Labcorp
Classification: Uncertain significance. Last evaluated: 2024-06-02. Review status: criteria provided, single submitter. Criteria: Invitae Variant Classification Sherloc (09022015). Collection method: clinical testing. Allele origin: germline.
Comment: This sequence change replaces glycine, which is neutral and non-polar, with glutamic acid, which is acidic and polar, at codon 38 of the COL4A4 protein (p.Gly38Glu). This variant is not present in population databases (gnomAD no frequency). This variant has not been reported in the literature in individuals affected with COL4A4-related conditions. An algorithm developed to predict the effect of missense changes on protein structure and function (PolyPhen-2) suggests that this variant is likely to be disruptive. In summary, the available evidence is currently insufficient to determine the role of this variant in disease. Therefore, it has been classified as a Variant of Uncertain Significance.